The following is an entry in ClinVar:

NM_004447.6(EPS8):c.1878T>G (p.Pro626=)

Gene: EPS8 (EGFR pathway substrate 8, signaling adaptor; minus strand). Cytogenetic location: 12p12.3.
Variant type: single nucleotide variant.
Coding change: c.1878T>G on transcript NM_004447.6 (MANE Select); coding-DNA position 1878, T replaced by G.
Protein change: p.Pro626=; no amino-acid change (proline 626 retained).
Molecular consequence: synonymous variant.
Genome position (GRCh38, 1-based): chr12:15,631,608, A>C on the plus strand (T>G on the coding strand, the complement: EPS8 is on the minus strand). VCF-style: chr12-15631608-A-C. GRCh37 (hg19) VCF-style: chr12-15784542-A-C.
Identifiers: ClinVar variation 796662 (VCV000796662.5), dbSNP rs34393715, ClinGen allele CA6467416.

ClinVar aggregate classification (germline): Likely benign. Review status: criteria provided, single submitter (1 of 4 stars). 2 submissions from 2 submitters: Likely benign (1). 1 of the submissions does not count toward it. Last evaluated 2018-12-18.

Conditions:
EPS8-related disorder. Also called: EPS8-related condition.

gnomAD v4.1: 21 of 1,613,994 alleles (0.0013%); highest among the groups gnomAD compares: South Asian, 0.023%; no homozygotes.

Submissions (2):

Labcorp Genetics (formerly Invitae), Labcorp
Classification: Likely benign. Last evaluated: 2018-12-18. Review status: criteria provided, single submitter. Criteria: Invitae Variant Classification Sherloc (09022015). Collection method: clinical testing. Allele origin: germline.

PreventionGenetics, part of Exact Sciences
Classification: Likely benign for EPS8-related condition. Last evaluated: 2019-06-26. Review status: no assertion criteria provided. Collection method: clinical testing. Allele origin: germline. Not counted in ClinVar's aggregate classification.
Comment: This variant is classified as likely benign based on ACMG/AMP sequence variant interpretation guidelines (Richards et al. 2015 PMID: 25741868, with internal and published modifications).